The following continues an entry in ClinVar:

NM_000277.3(PAH):c.842C>T (p.Pro281Leu)

Gene: PAH. ClinVar aggregate classification (germline): Likely pathogenic. Likely pathogenic (1).

Submissions 27 to 30 of 30:

Payam Genetics Center, General Welfare Department of North Khorasan Province
Classification: Pathogenic for Phenylketonuria. Last evaluated: 2023-03-01. Review status: no assertion criteria provided. Collection method: clinical testing. Allele origin: germline. Affected: no. Observed: 2 variant alleles. Not counted in ClinVar's aggregate classification.

OMIM
Classification: Pathogenic for PHENYLKETONURIA. Last evaluated: 1994-01-01. Review status: no assertion criteria provided. Collection method: literature only. Allele origin: germline. Not counted in ClinVar's aggregate classification.

DeBelle Laboratory for Biochemical Genetics, MUHC/MCH RESEARCH INSTITUTE
No classification provided. Review status: no classification provided. Collection method: not provided. Allele origin: not provided. Not counted in ClinVar's aggregate classification.

GeneReviews
No classification provided. Condition: Phenylketonuria. Review status: no classification provided. Collection method: literature only. Allele origin: germline. Affected: yes. Not counted in ClinVar's aggregate classification.

Literature cited by the submitters: PubMed 17935162 (cited by 9 submitters); PubMed 15503242 (cited by 5 submitters); PubMed 12655553 (cited by 3 submitters); PubMed 25596310 (cited by 8 submitters); PubMed 1672294 (cited by 5 submitters); PubMed 21871829 (cited by Labcorp Genetics (formerly Invitae), Labcorp and Quest Diagnostics Nichols Institute San Juan Capistrano); PubMed 21953985 (cited by 4 submitters); PubMed 26542770 (cited by Natera, Inc.); PubMed 26481238 (cited by 3billion); PubMed 10598814 (cited by 3billion); PubMed 20082265 (cited by Quest Diagnostics Nichols Institute San Juan Capistrano); PubMed 1981599 (cited by Quest Diagnostics Nichols Institute San Juan Capistrano); PubMed 14654665 (cited by Quest Diagnostics Nichols Institute San Juan Capistrano); PubMed 1672290 (cited by Quest Diagnostics Nichols Institute San Juan Capistrano and UNC Molecular Genetics  Laboratory, University of North Carolina at Chapel Hill); PubMed 11161839 (cited by Quest Diagnostics Nichols Institute San Juan Capistrano); PubMed 10471838 (cited by 3 submitters); PubMed 18294361 (cited by Quest Diagnostics Nichols Institute San Juan Capistrano); PubMed 29749107 (cited by Quest Diagnostics Nichols Institute San Juan Capistrano); PubMed 30747360 (cited by Quest Diagnostics Nichols Institute San Juan Capistrano); PubMed 24368688 (cited by Pittsburgh Clinical Genomics Laboratory, University of Pittsburgh Medical Center); PubMed 23457044 (cited by Pittsburgh Clinical Genomics Laboratory, University of Pittsburgh Medical Center); PubMed 23792259 (cited by Ambry Genetics); PubMed 30668579 (cited by Ambry Genetics); PubMed 22513348 (cited by Myriad Genetics, Inc.); PubMed 22526846 (cited by Myriad Genetics, Inc.); PubMed 19394257 (cited by Myriad Genetics, Inc.); PubMed 20920871 (cited by Myriad Genetics, Inc.); PubMed 20187763 (cited by Myriad Genetics, Inc.); PubMed 22763404 (cited by Myriad Genetics, Inc.); PubMed 18299955 (cited by Myriad Genetics, Inc.); PubMed 23357515 (cited by Women's Health and Genetics/Laboratory Corporation of America, LabCorp); PubMed 9399896 (cited by Women's Health and Genetics/Laboratory Corporation of America, LabCorp); PubMed 2014036 (cited by Laboratory for Molecular Medicine, Mass General Brigham Personalized Medicine); PubMed 20301677 (cited by UNC Molecular Genetics  Laboratory, University of North Carolina at Chapel Hill); PubMed 9634518 (cited by UNC Molecular Genetics  Laboratory, University of North Carolina at Chapel Hill); PubMed 10234516 (cited by UNC Molecular Genetics  Laboratory, University of North Carolina at Chapel Hill); PubMed 29025426 (cited by Payam Genetics Center, General Welfare Department of North Khorasan Province); PubMed 21915151 (cited by Payam Genetics Center, General Welfare Department of North Khorasan Province); PubMed 21937252 (cited by Payam Genetics Center, General Welfare Department of North Khorasan Province); PubMed 2044609 (cited by OMIM); PubMed 1769645 (cited by OMIM); PubMed 7807961 (cited by OMIM); NCBI Bookshelf NBK1504 (cited by GeneReviews).